The following is an entry in ClinVar:

NM_005360.5(MAF):c.836G>A (p.Arg279His)

Gene: MAF (MAF bZIP transcription factor; minus strand). Cytogenetic location: 16q23.2.
Variant type: single nucleotide variant.
Coding change: c.836G>A on transcript NM_005360.5 (MANE Select); coding-DNA position 836, G replaced by A.
Protein change: p.Arg279His; replaces arginine 279 with histidine.
Molecular consequence: missense variant.
Genome position (GRCh38, 1-based): chr16:79,599,067, C>T on the plus strand (G>A on the coding strand, the complement: MAF is on the minus strand). VCF-style: chr16-79599067-C-T. GRCh37 (hg19) VCF-style: chr16-79632964-C-T.
Other names: c.836G>A, p.Arg279His (NM_001031804.3); short protein forms R279H.
Identifiers: ClinVar variation 4070615 (VCV004070615.1).

ClinVar aggregate classification (germline): Uncertain significance (1 of 4 stars; one submission).

Submission:

GeneDx
Classification: Uncertain significance. Last evaluated: 2025-01-18. Review status: criteria provided, single submitter. Criteria: GeneDx Variant Classification Process June 2021. Collection method: clinical testing. Allele origin: germline. Affected: yes.
Comment: Not observed at significant frequency in large population cohorts (gnomAD); In silico analysis supports that this missense variant has a deleterious effect on protein structure/function; Has not been previously published as pathogenic or benign to our knowledge